The following is an entry in ClinVar:

ClinVar aggregate classification (germline): Uncertain significance (1 of 4 stars; one submission).

gnomAD v4.1: 1 of 1,551,154 alleles (0.000064%); highest among the groups gnomAD compares: Non-Finnish European, 0.000087%; no homozygotes.

Submission:

Labcorp Genetics (formerly Invitae), Labcorp
Classification: Uncertain significance. Last evaluated: 2025-02-18. Review status: criteria provided, single submitter. Criteria: Invitae Variant Classification Sherloc (09022015). Collection method: clinical testing. Allele origin: germline.
Comment: This sequence change replaces leucine, which is neutral and non-polar, with proline, which is neutral and non-polar, at codon 2492 of the CHD8 protein (p.Leu2492Pro). This variant is not present in population databases (gnomAD no frequency). This variant has not been reported in the literature in individuals affected with CHD8-related conditions. Invitae Evidence Modeling of protein sequence and biophysical properties (such as structural, functional, and spatial information, amino acid conservation, physicochemical variation, residue mobility, and thermodynamic stability) indicates that this missense variant is expected to disrupt CHD8 protein function with a positive predictive value of 80%. In summary, the available evidence is currently insufficient to determine the role of this variant in disease. Therefore, it has been classified as a Variant of Uncertain Significance.

NM_001170629.2(CHD8):c.7475T>C (p.Leu2492Pro)

Gene: CHD8 (chromodomain helicase DNA binding protein 8; minus strand). Cytogenetic location: 14q11.2.
Variant type: single nucleotide variant.
Coding change: c.7475T>C on transcript NM_001170629.2 (MANE Select); coding-DNA position 7475, T replaced by C.
Protein change: p.Leu2492Pro; replaces leucine 2492 with proline.
Molecular consequence: missense variant.
Genome position (GRCh38, 1-based): chr14:21,385,884, A>G on the plus strand (T>C on the coding strand, the complement: CHD8 is on the minus strand). VCF-style: chr14-21385884-A-G. GRCh37 (hg19) VCF-style: chr14-21854043-A-G.
Other names: c.6638T>C, p.Leu2213Pro (NM_020920.4); short protein forms L2213P, L2492P.
Identifiers: ClinVar variation 3620286 (VCV003620286.2).